The following is an entry in ClinVar:

ClinVar aggregate classification (germline): Uncertain significance (1 of 4 stars; one submission).

Conditions:
Atrial septal defect 5 (ASD5). Identifiers: Orphanet 1478, MedGen C2748552, MONDO:0013011, OMIM 612794.
Hypertrophic cardiomyopathy 11. Also called: ACTC1-Related Familial Hypertrophic Cardiomyopathy. Identifiers: MedGen C2677506, MONDO:0012799, OMIM 612098.
Dilated cardiomyopathy 1R (CMD1R). Identifiers: Orphanet 154, Orphanet 54260, MedGen C3150681, MONDO:0013261, OMIM 613424.

Submission:

Labcorp Genetics (formerly Invitae), Labcorp
Classification: Uncertain significance for Dilated cardiomyopathy 1R; Hypertrophic cardiomyopathy 11; Atrial septal defect 5. Last evaluated: 2024-02-07. Review status: criteria provided, single submitter. Criteria: Invitae Variant Classification Sherloc (09022015). Collection method: clinical testing. Allele origin: germline.
Comment: This sequence change replaces cysteine, which is neutral and slightly polar, with serine, which is neutral and polar, at codon 259 of the ACTC1 protein (p.Cys259Ser). This variant is not present in population databases (gnomAD no frequency). This variant has not been reported in the literature in individuals affected with ACTC1-related conditions. Advanced modeling of protein sequence and biophysical properties (such as structural, functional, and spatial information, amino acid conservation, physicochemical variation, residue mobility, and thermodynamic stability) performed at Invitae indicates that this missense variant is not expected to disrupt ACTC1 protein function with a negative predictive value of 80%. In summary, the available evidence is currently insufficient to determine the role of this variant in disease. Therefore, it has been classified as a Variant of Uncertain Significance.

NM_005159.5(ACTC1):c.776G>C (p.Cys259Ser)

Genes: GJD2-DT (GJD2 divergent transcript; plus strand), ACTC1 (actin alpha cardiac muscle 1; minus strand). Cytogenetic location: 15q14.
Variant type: single nucleotide variant.
Coding change: c.776G>C on transcript NM_005159.5 (MANE Select); coding-DNA position 776, G replaced by C.
Protein change: p.Cys259Ser; replaces cysteine 259 with serine.
Molecular consequence: missense variant.
Genome position (GRCh38, 1-based): chr15:34,792,122, C>G on the plus strand (G>C on the coding strand, the complement: ACTC1 is on the minus strand). VCF-style: chr15-34792122-C-G. GRCh37 (hg19) VCF-style: chr15-35084323-C-G.
Other names: short protein forms C259S.
Identifiers: ClinVar variation 3754479 (VCV003754479.2), dbSNP rs199566566.